The following is an entry in ClinVar:

ClinVar aggregate classification (germline): Uncertain significance. Review status: criteria provided, multiple submitters, no conflicts (2 of 4 stars). 3 submissions from 3 submitters: Uncertain significance (3). Last evaluated 2025-12-10.

gnomAD v4.1: 21 of 1,611,256 alleles (0.0013%); highest among the groups gnomAD compares: Middle Eastern, 0.049%; no homozygotes.

Submissions (3):

GeneDx
Classification: Uncertain significance. Last evaluated: 2025-12-10. Review status: criteria provided, single submitter. Criteria: GeneDx Variant Classification Process June 2021. Collection method: clinical testing. Allele origin: germline.
Comment: Not observed at significant frequency in large population cohorts (gnomAD); In silico analysis suggests that this missense variant does not alter protein structure/function; Has not been previously published as pathogenic or benign to our knowledge

Labcorp Genetics (formerly Invitae), Labcorp
Classification: Uncertain significance. Last evaluated: 2025-01-08. Review status: criteria provided, single submitter. Criteria: Invitae Variant Classification Sherloc (09022015). Collection method: clinical testing. Allele origin: germline.
Comment: This sequence change replaces lysine, which is basic and polar, with glutamic acid, which is acidic and polar, at codon 1209 of the LRPPRC protein (p.Lys1209Glu). This variant is present in population databases (rs375952780, gnomAD 0.01%). This variant has not been reported in the literature in individuals affected with LRPPRC-related conditions. Invitae Evidence Modeling of protein sequence and biophysical properties (such as structural, functional, and spatial information, amino acid conservation, physicochemical variation, residue mobility, and thermodynamic stability) indicates that this missense variant is not expected to disrupt LRPPRC protein function with a negative predictive value of 80%. In summary, the available evidence is currently insufficient to determine the role of this variant in disease. Therefore, it has been classified as a Variant of Uncertain Significance.

Blueprint Genetics
Classification: Uncertain significance. Last evaluated: 2024-06-25. Review status: criteria provided, single submitter. Criteria: ACMG Guidelines, 2015. Collection method: clinical testing. Allele origin: germline.

NM_133259.4(LRPPRC):c.3625A>G (p.Lys1209Glu)

Gene: LRPPRC (leucine rich pentatricopeptide repeat containing; minus strand). Cytogenetic location: 2p21.
Variant type: single nucleotide variant.
Coding change: c.3625A>G on transcript NM_133259.4 (MANE Select); coding-DNA position 3625, A replaced by G.
Protein change: p.Lys1209Glu; replaces lysine 1209 with glutamic acid.
Molecular consequence: missense variant.
Genome position (GRCh38, 1-based): chr2:43,899,550, T>C on the plus strand (A>G on the coding strand, the complement: LRPPRC is on the minus strand). VCF-style: chr2-43899550-T-C. GRCh37 (hg19) VCF-style: chr2-44126689-T-C.
Other names: short protein forms K1209E.
Identifiers: ClinVar variation 3367974 (VCV003367974.3).
Genomic context (GRCh38, chr2:43,899,550, plus strand): 5'-GCTCCTCTATTACTTTTCTGAATAAGTATGCCAAGCCGAAGTATTGGGGTTCAATGACTT[T>C]ATTCTCTGAAGTAAGCATATTTTCAATGTTTTCTATTGCGGCATCTATGTTATTACTGTT-3'
Protein context (NP_573566.2, residues 1199-1219): NIENMLTSEN[Lys1209Glu]VIEPQYFGLA